The following is an entry in ClinVar:

NC_000011.9:g.(?_31616297)_(31832375_?)dup

Genes: ELP4 (elongator acetyltransferase complex subunit 4; plus strand), PAX6 (paired box 6; minus strand). Cytogenetic location: 11p13.
Variant type: Duplication.
Identifiers: ClinVar variation 3244583 (VCV003244583.1).

ClinVar aggregate classification (germline): Uncertain significance (1 of 4 stars; one submission).

Conditions:
Aniridia 1 (AN1). Identifiers: Orphanet 250923, MedGen C0344542, MONDO:0024507, OMIM 106210.
Irido-corneo-trabecular dysgenesis (ASGD5). Also called: ANTERIOR SEGMENT DYSGENESIS 5. Identifiers: Orphanet 708, MedGen C0344559, MONDO:0011414, OMIM 604229, HP:0000659.

Submission:

Labcorp Genetics (formerly Invitae), Labcorp
Classification: Uncertain significance for Aniridia 1; Irido-corneo-trabecular dysgenesis. Last evaluated: 2023-09-29. Review status: criteria provided, single submitter. Criteria: Invitae Variant Classification Sherloc (09022015). Collection method: clinical testing. Allele origin: unknown.
Comment: This variant results in a copy number gain of the genomic region encompassing exon(s) 3-13 of the PAX6 gene. This region includes the termination codon of the gene. This copy number gain extends beyond the assayed region for this gene and therefore may encompass additional genes. As the precise location of this event is unknown, it may be in tandem or it may be located elsewhere in the genome. This variant has not been reported in the literature in individuals affected with PAX6-related conditions. A similar copy number variant has been observed in at least one individual who was not affected with PAX6-related conditions (Invitae). Experimental studies and prediction algorithms are not available or were not evaluated, and the functional significance of this variant is currently unknown. In summary, the available evidence is currently insufficient to determine the role of this variant in disease. Therefore, it has been classified as a Variant of Uncertain Significance.